The following is an entry in ClinVar:

NM_020987.5(ANK3):c.2993G>C (p.Arg998Thr)

Gene: ANK3 (ankyrin 3; minus strand). Cytogenetic location: 10q21.2.
Variant type: single nucleotide variant.
Coding change: c.2993G>C on transcript NM_020987.5 (MANE Select); coding-DNA position 2993, G replaced by C.
Protein change: p.Arg998Thr; replaces arginine 998 with threonine.
Molecular consequence: missense variant.
Genome position (GRCh38, 1-based): chr10:60,109,010, C>G on the plus strand (G>C on the coding strand, the complement: ANK3 is on the minus strand). VCF-style: chr10-60109010-C-G. GRCh37 (hg19) VCF-style: chr10-61868768-C-G.
Other names: c.395G>C, p.Arg132Thr (NM_001149.4); c.2975G>C, p.Arg992Thr (NM_001204403.2); c.2996G>C, p.Arg999Thr (NM_001204404.2); c.2993G>C, p.Arg998Thr (NM_001320874.2); short protein forms R998T, R132T, R992T, R999T.
Identifiers: ClinVar variation 3714945 (VCV003714945.2).

ClinVar aggregate classification (germline): Uncertain significance (1 of 4 stars; one submission).

gnomAD v4.1: 6 of 1,613,720 alleles (0.00037%); highest among the groups gnomAD compares: African/African-American, 0.0013%; no homozygotes.

Submission:

Labcorp Genetics (formerly Invitae), Labcorp
Classification: Uncertain significance. Last evaluated: 2024-12-31. Review status: criteria provided, single submitter. Criteria: Invitae Variant Classification Sherloc (09022015). Collection method: clinical testing. Allele origin: germline.
Comment: This sequence change replaces arginine, which is basic and polar, with threonine, which is neutral and polar, at codon 998 of the ANK3 protein (p.Arg998Thr). This variant is not present in population databases (gnomAD no frequency). This variant has not been reported in the literature in individuals affected with ANK3-related conditions. Invitae Evidence Modeling of protein sequence and biophysical properties (such as structural, functional, and spatial information, amino acid conservation, physicochemical variation, residue mobility, and thermodynamic stability) has been performed for this missense variant. However, the output from this modeling did not meet the statistical confidence thresholds required to predict the impact of this variant on ANK3 protein function. In summary, the available evidence is currently insufficient to determine the role of this variant in disease. Therefore, it has been classified as a Variant of Uncertain Significance.